The following is an entry in ClinVar:

ClinVar aggregate classification (germline): Conflicting classifications of pathogenicity. Review status: criteria provided, conflicting classifications (1 of 4 stars). 2 submissions from 2 submitters: Uncertain significance (1); Benign (1). Last evaluated 2025-10-02.

gnomAD v4.1: 157 of 1,614,078 alleles (0.0097%); highest among the groups gnomAD compares: African/African-American, 0.17%; no homozygotes.

Submissions (2):

Ambry Genetics
Classification: Uncertain significance. Last evaluated: 2025-10-02. Review status: criteria provided, single submitter. Criteria: Ambry Variant Classification Scheme 2023. Collection method: clinical testing. Allele origin: germline.

CeGaT Center for Human Genetics Tuebingen
Classification: Benign. Last evaluated: 2025-02-01. Review status: criteria provided, single submitter. Criteria: CeGaT Center For Human Genetics Tuebingen Variant Classification Criteria Version 2. Collection method: clinical testing. Allele origin: germline. Affected: yes. Observed: 1 variant allele.
Comment: AHNAK: BP4, BS1, BS2

NM_001620.3(AHNAK):c.9886C>T (p.Pro3296Ser)

Gene: AHNAK (AHNAK nucleoprotein; minus strand). Cytogenetic location: 11q12.3.
Variant type: single nucleotide variant.
Coding change: c.9886C>T on transcript NM_001620.3 (MANE Select); coding-DNA position 9886, C replaced by T.
Protein change: p.Pro3296Ser; replaces proline 3296 with serine.
Molecular consequence: missense variant. On other transcripts: intron variant (1).
Genome position (GRCh38, 1-based): chr11:62,524,531, G>A on the plus strand (C>T on the coding strand, the complement: AHNAK is on the minus strand). VCF-style: chr11-62524531-G-A. GRCh37 (hg19) VCF-style: chr11-62292003-G-A.
Other names: c.9886C>T (NM_001620.1); c.9886C>T, p.Pro3296Ser (NM_001346445.2, NM_001346446.2); c.342+10472C>T (NM_024060.4); short protein forms P3296S.
Identifiers: ClinVar variation 3771265 (VCV003771265.13).
Genomic context (GRCh38, chr11:62,524,531, plus strand): 5'-GCCCAGAGACATCAACATCTCCCTTAAGCTTTGAGCCTTTCAAATTCAAGTCAATTTCTG[G>A]CATGGAGATCTTGGGCATGTTTACATGCATGTCAGGCATCTTCAGTTTTGGACCTTTTAA-3'
Protein context (NP_001611.1, residues 3286-3306): MHVNMPKISM[Pro3296Ser]EIDLNLKGSK